The following is an entry in ClinVar:

ClinVar aggregate classification (germline): Pathogenic/Likely pathogenic. Review status: criteria provided, multiple submitters, no conflicts (2 of 4 stars). 6 submissions from 6 submitters: Pathogenic (4); Likely pathogenic (1). 1 of the submissions does not count toward it. Last evaluated 2025-09-11.

Conditions:
Autosomal recessive limb-girdle muscular dystrophy. Identifiers: Orphanet 102015, MedGen C2931907, MONDO:0015152.
Autosomal recessive limb-girdle muscular dystrophy type 2C (LGMDR5). Also called: MUSCULAR DYSTROPHY, LIMB-GIRDLE, AUTOSOMAL RECESSIVE 5; MUSCULAR DYSTROPHY, DUCHENNE-LIKE. Identifiers: Orphanet 353, MedGen C0410173, MONDO:0009677, OMIM 253700. Disease mechanism: Affects gamma-sarcoglycan and also disrupts the integrity of the entire sarcoglycan complex..

Allele frequency attached by ClinVar (database versions not stated): ExAC 0.00002; gnomAD exomes 0.00002; TOPMed 0.00002; gnomAD 0.00004; ESP Exome Variant Server 0.00015.
gnomAD v4.1: 8 of 1,592,816 alleles (0.0005%); highest among the groups gnomAD compares: African/African-American, 0.011%; no homozygotes.

Submissions (6):

Natera, Inc.
Classification: Pathogenic for Limb-girdle muscular dystrophy type 2C. Last evaluated: 2025-09-11. Review status: criteria provided, single submitter. Criteria: Natera Variant Classification Schema (03/2026). Collection method: clinical testing. Allele origin: germline.
Comment: The c.195+1G>C variant in SGCG is a canonical splice donor site variant predicted to affect pre-mRNA splicing, which may result in an abnormal transcript and altered protein product. This variant is expected to result in nonsense mediated decay, truncation, or a dysfunctional protein product. This variant is rare in the general population with a frequency below the threshold expected for the associated phenotype(s). This variant has been observed in one or more individuals affected with the associated recessive disease, as either homozygous or compound heterozygous with a second variant (PMID: 27708273). Additionally, this variant has been observed to segregate in affected family members (PMID: 27708273). Given the available evidence, this variant is classified as Pathogenic.

Labcorp Genetics (formerly Invitae), Labcorp
Classification: Pathogenic for Autosomal recessive limb-girdle muscular dystrophy type 2C. Last evaluated: 2024-10-16. Review status: criteria provided, single submitter. Criteria: Invitae Variant Classification Sherloc (09022015). Collection method: clinical testing. Allele origin: germline.
Comment: This sequence change affects a donor splice site in intron 2 of the SGCG gene. It is expected to disrupt RNA splicing. Variants that disrupt the donor or acceptor splice site typically lead to a loss of protein function (PMID: 16199547), and loss-of-function variants in SGCG are known to be pathogenic (PMID: 18285821). This variant is present in population databases (rs200502077, gnomAD 0.02%). Disruption of this splice site has been observed in individuals with clinical features of limb-girdle muscular dystrophy (PMID: 27708273, 31517061). ClinVar contains an entry for this variant (Variation ID: 283707). Algorithms developed to predict the effect of sequence changes on RNA splicing suggest that this variant may disrupt the consensus splice site. For these reasons, this variant has been classified as Pathogenic.

Baylor Genetics
Classification: Pathogenic for Autosomal recessive limb-girdle muscular dystrophy type 2C. Last evaluated: 2023-09-06. Review status: criteria provided, single submitter. Criteria: ACMG Guidelines, 2015. Collection method: clinical testing. Allele origin: unknown.

Women's Health and Genetics/Laboratory Corporation of America, LabCorp
Classification: Likely pathogenic for Autosomal recessive limb-girdle muscular dystrophy. Last evaluated: 2021-07-19. Review status: criteria provided, single submitter. Criteria: LabCorp Variant Classification Summary - May 2015. Collection method: clinical testing. Allele origin: germline.
Comment: Variant summary: SGCG c.195+1G>C is located in a canonical splice-site and is predicted to affect mRNA splicing resulting in a significantly altered protein due to either exon skipping, shortening, or inclusion of intronic material. Several computational tools predict a significant impact on normal splicing: Three predict the variant abolishes a 5 splicing donor site. Two predict the variant creates a 3 acceptor site. However, these predictions have yet to be confirmed by functional studies. The variant allele was found at a frequency of 1.6e-05 in 251302 control chromosomes (gnomAD). c.195+1G>C has been reported in the literature in individuals affected with Limb-Girdle Muscular Dystrophy, Autosomal Recessive (Reddy_2017). These data indicate that the variant may be associated with disease. To our knowledge, no experimental evidence demonstrating an impact on protein function has been reported. Three ClinVar submitters (evaluation after 2014) cite the variant as pathogenic (n=2) and likely pathogenic (n=1). Based on the evidence outlined above, the variant was classified as likely pathogenic.

Eurofins Ntd Llc (ga)
Classification: Pathogenic. Last evaluated: 2015-10-30. Review status: criteria provided, single submitter. Criteria: EGL Classification Definitions 2015. Collection method: clinical testing. Allele origin: germline. Observed: 4 variant alleles, 3 heterozygotes, 1 homozygote.

Counsyl
Classification: Likely pathogenic for Autosomal recessive limb-girdle muscular dystrophy type 2C. Last evaluated: 2018-03-26. Review status: no assertion criteria provided. Collection method: clinical testing. Allele origin: unknown. Not counted in ClinVar's aggregate classification.

Literature cited by the submitters: PubMed 27708273 (cited by 4 submitters); PubMed 16199547 (cited by Labcorp Genetics (formerly Invitae), Labcorp); PubMed 18285821 (cited by Labcorp Genetics (formerly Invitae), Labcorp); PubMed 31517061 (cited by Labcorp Genetics (formerly Invitae), Labcorp).

NM_000231.3(SGCG):c.195+1G>C

Gene: SGCG (sarcoglycan gamma; plus strand). Cytogenetic location: 13q12.12.
Variant type: single nucleotide variant.
Coding change: c.195+1G>C on transcript NM_000231.3 (MANE Select); the canonical splice donor site of the intron after coding-DNA position 195, G replaced by C.
Molecular consequence: splice donor variant.
Genome position (GRCh38, 1-based): chr13:23,203,890, G>C. VCF-style: chr13-23203890-G-C. GRCh37 (hg19) VCF-style: chr13-23778029-G-C.
Other names: c.249+1G>C (NM_001378244.1); c.195+1G>C (NM_001378245.1, NM_001378246.1).
Identifiers: ClinVar variation 283707 (VCV000283707.18), dbSNP rs200502077, ClinGen allele CA6909586.